The following is an entry in ClinVar:

ClinVar aggregate classification (germline): Uncertain significance (1 of 4 stars; one submission).

Submission:

GeneDx
Classification: Uncertain significance. Last evaluated: 2024-01-12. Review status: criteria provided, single submitter. Criteria: GeneDx Variant Classification Process June 2021. Collection method: clinical testing. Allele origin: germline. Affected: yes.
Comment: Not observed at significant frequency in large population cohorts (gnomAD); In silico analysis supports that this missense variant has a deleterious effect on protein structure/function; Has not been previously published as pathogenic or benign to our knowledge

NM_015057.5(MYCBP2):c.973A>G (p.Arg325Gly)

Gene: MYCBP2 (MYC binding protein 2; minus strand). Cytogenetic location: 13q22.3.
Variant type: single nucleotide variant.
Coding change: c.973A>G on transcript NM_015057.5 (MANE Select); coding-DNA position 973, A replaced by G.
Protein change: p.Arg325Gly; replaces arginine 325 with glycine.
Molecular consequence: missense variant.
Genome position (GRCh38, 1-based): chr13:77,270,511, T>C on the plus strand (A>G on the coding strand, the complement: MYCBP2 is on the minus strand). VCF-style: chr13-77270511-T-C. GRCh37 (hg19) VCF-style: chr13-77844646-T-C.
Other names: short protein forms R325G.
Identifiers: ClinVar variation 3367402 (VCV003367402.1).